The following is an entry in ClinVar:

ClinVar aggregate classification (germline): Uncertain significance. Review status: criteria provided, multiple submitters, no conflicts (2 of 4 stars). 2 submissions from 2 submitters: Uncertain significance (2). Last evaluated 2025-08-15.

Conditions:
Inborn genetic diseases. Identifiers: MedGen C0950123, MeSH D030342.

Submissions (2):

Labcorp Genetics (formerly Invitae), Labcorp
Classification: Uncertain significance. Last evaluated: 2025-08-15. Review status: criteria provided, single submitter. Criteria: Invitae Variant Classification Sherloc (09022015). Collection method: clinical testing. Allele origin: germline.
Comment: This sequence change replaces glycine, which is neutral and non-polar, with serine, which is neutral and polar, at codon 202 of the KRT6A protein (p.Gly202Ser). This variant is present in population databases (rs779419676, gnomAD 0.007%). This variant has not been reported in the literature in individuals affected with KRT6A-related conditions. ClinVar contains an entry for this variant (Variation ID: 4045051). Invitae Evidence Modeling of protein sequence and biophysical properties (such as structural, functional, and spatial information, amino acid conservation, physicochemical variation, residue mobility, and thermodynamic stability) indicates that this missense variant is not expected to disrupt KRT6A protein function with a negative predictive value of 95%. In summary, the available evidence is currently insufficient to determine the role of this variant in disease. Therefore, it has been classified as a Variant of Uncertain Significance.

Ambry Genetics
Classification: Uncertain significance for Inborn genetic diseases. Last evaluated: 2025-05-25. Review status: criteria provided, single submitter. Criteria: Ambry Variant Classification Scheme 2023. Collection method: clinical testing. Allele origin: germline.

NM_005554.4(KRT6A):c.604G>A (p.Gly202Ser)

Gene: KRT6A (keratin 6A; minus strand). Cytogenetic location: 12q13.13.
Variant type: single nucleotide variant.
Coding change: c.604G>A on transcript NM_005554.4 (MANE Select); coding-DNA position 604, G replaced by A.
Protein change: p.Gly202Ser; replaces glycine 202 with serine.
Molecular consequence: missense variant.
Genome position (GRCh38, 1-based): chr12:52,491,673, C>T on the plus strand (G>A on the coding strand, the complement: KRT6A is on the minus strand). VCF-style: chr12-52491673-C-T. GRCh37 (hg19) VCF-style: chr12-52885457-C-T.
Other names: short protein forms G202S.
Identifiers: ClinVar variation 4045051 (VCV004045051.2).